The following is an entry in ClinVar:

NM_001035.3(RYR2):c.14002G>C (p.Glu4668Gln)

Gene: RYR2 (ryanodine receptor 2; plus strand). Cytogenetic location: 1q43.
Variant type: single nucleotide variant.
Coding change: c.14002G>C on transcript NM_001035.3 (MANE Select); coding-DNA position 14002, G replaced by C.
Protein change: p.Glu4668Gln; replaces glutamic acid 4668 with glutamine.
Molecular consequence: missense variant.
Genome position (GRCh38, 1-based): chr1:237,798,082, G>C. VCF-style: chr1-237798082-G-C. GRCh37 (hg19) VCF-style: chr1-237961382-G-C.
Other names: short protein forms E4668Q.
Identifiers: ClinVar variation 2774421 (VCV002774421.3), dbSNP rs2528017168, ClinGen allele CA345419691.

ClinVar aggregate classification (germline): Uncertain significance. Review status: criteria provided, multiple submitters, no conflicts (2 of 4 stars). 2 submissions from 2 submitters: Uncertain significance (2). Last evaluated 2024-07-20.

Conditions:
Cardiomyopathy (CMYO). Also called: Cardiomyopathies. Identifiers: Orphanet 167848, MedGen C0878544, MONDO:0004994, HP:0001638. Inheritance: Various modes of inheritance.
Catecholaminergic polymorphic ventricular tachycardia (CVPT). Also called: Catecholamine-induced polymorphic ventricular tachycardia. Identifiers: Orphanet 3286, MedGen C5574922, MONDO:0017990.

Submissions (2):

All of Us Research Program, National Institutes of Health
Classification: Uncertain significance for Catecholaminergic polymorphic ventricular tachycardia. Last evaluated: 2024-07-20. Review status: criteria provided, single submitter. Criteria: ACMG Guidelines, 2015. Collection method: clinical testing. Allele origin: germline. Inheritance: Autosomal dominant inheritance. Observed: 1 variant allele, 1 heterozygote.
Comment: This missense variant replaces glutamic acid with glutamine at codon 4668 of the RYR2 protein. Computational prediction is inconclusive regarding the impact of this variant on protein structure and function (internally defined REVEL score threshold 0.5 < inconclusive < 0.7, PMID: 27666373). To our knowledge, functional studies have not been reported for this variant. This variant has not been reported in individuals affected with cardiovascular disorders in the literature. This variant has not been identified in the general population by the Genome Aggregation Database (gnomAD). The available evidence is insufficient to determine the role of this variant in disease conclusively. Therefore, this variant is classified as a Variant of Uncertain Significance.

This study involves interpretation of variants in research participants for the purpose of population health screening. Participant phenotype was not available at the time of variant classification. Additional details can be found in publication PMID: 35346344, PMCID: PMC8962531

Color Diagnostics, LLC DBA Color Health
Classification: Uncertain significance for Cardiomyopathy. Last evaluated: 2024-03-07. Review status: criteria provided, single submitter. Criteria: ACMG Guidelines, 2015. Collection method: clinical testing. Allele origin: germline.
Comment: This missense variant replaces glutamic acid with glutamine at codon 4668 of the RYR2 protein. Computational prediction is inconclusive regarding the impact of this variant on protein structure and function (internally defined REVEL score threshold 0.5 < inconclusive < 0.7, PMID: 27666373). To our knowledge, functional studies have not been reported for this variant. This variant has not been reported in individuals affected with cardiovascular disorders in the literature. This variant has not been identified in the general population by the Genome Aggregation Database (gnomAD). The available evidence is insufficient to determine the role of this variant in disease conclusively. Therefore, this variant is classified as a Variant of Uncertain Significance.